The following is an entry in ClinVar:

ClinVar aggregate classification (germline): Uncertain significance. Review status: criteria provided, multiple submitters, no conflicts (2 of 4 stars). 2 submissions from 2 submitters: Uncertain significance (2). Last evaluated 2025-04-15.

Conditions:
Inborn genetic diseases. Identifiers: MedGen C0950123, MeSH D030342.

Allele frequency attached by ClinVar (database versions not stated): gnomAD exomes below 0.00001.
gnomAD v4.1: 4 of 1,613,930 alleles (0.00025%); highest among the groups gnomAD compares: African/African-American, 0.0013%; no homozygotes.

Submissions (2):

Ambry Genetics
Classification: Uncertain significance for Inborn genetic diseases. Last evaluated: 2025-04-15. Review status: criteria provided, single submitter. Criteria: Ambry Variant Classification Scheme 2023. Collection method: clinical testing. Allele origin: germline.

GeneDx
Classification: Uncertain significance. Last evaluated: 2022-01-13. Review status: criteria provided, single submitter. Criteria: GeneDx Variant Classification Process June 2021. Collection method: clinical testing. Allele origin: germline. Affected: yes.
Comment: Not observed at significant frequency in large population cohorts (gnomAD); In silico analysis supports that this missense variant has a deleterious effect on protein structure/function; Has not been previously published as pathogenic or benign to our knowledge

NM_004667.6(HERC2):c.2359C>T (p.Arg787Cys)

Gene: HERC2 (HECT and RLD domain containing E3 ubiquitin protein ligase 2; minus strand). Cytogenetic location: 15q13.1.
Variant type: single nucleotide variant.
Coding change: c.2359C>T on transcript NM_004667.6 (MANE Select); coding-DNA position 2359, C replaced by T.
Protein change: p.Arg787Cys; replaces arginine 787 with cysteine.
Molecular consequence: missense variant.
Genome position (GRCh38, 1-based): chr15:28,257,219, G>A on the plus strand (C>T on the coding strand, the complement: HERC2 is on the minus strand). VCF-style: chr15-28257219-G-A. GRCh37 (hg19) VCF-style: chr15-28502365-G-A.
Other names: c.2359C>T (NM_004667.4); short protein forms R787C.
Identifiers: ClinVar variation 1696973 (VCV001696973.3), dbSNP rs1439810471, ClinGen allele CA391395662.
Genomic context (GRCh38, chr15:28,257,219, plus strand): 5'-GAAGCAGGAGATCCAGCTGCTCAAAAGTCATTGAGCAGATGTCCACCACAAAAGGGACAC[G>A]GAGGCCAATGGACCACTCAGAACATGATGACCAAGCAAAGCTCTAAGAGGAAACGCAACA-3'
Protein context (NP_004658.3, residues 777-797): SSCSEWSIGL[Arg787Cys]VPFVVDICSM